The following is an entry in ClinVar:

ClinVar aggregate classification (germline): Uncertain significance (1 of 4 stars; one submission).

Allele frequency attached by ClinVar (database versions not stated): gnomAD exomes below 0.00001.
gnomAD v4.1: 1 of 1,613,810 alleles (0.000062%); highest among the groups gnomAD compares: Non-Finnish European, 0.000085%; no homozygotes.

Submission:

Labcorp Genetics (formerly Invitae), Labcorp
Classification: Uncertain significance. Last evaluated: 2022-04-10. Review status: criteria provided, single submitter. Criteria: Invitae Variant Classification Sherloc (09022015). Collection method: clinical testing. Allele origin: germline.
Comment: This sequence change affects codon 372 of the TBCE mRNA. It is a 'silent' change, meaning that it does not change the encoded amino acid sequence of the TBCE protein. This variant also falls at the last nucleotide of exon 12, which is part of the consensus splice site for this exon. This variant is not present in population databases (gnomAD no frequency). This variant has not been reported in the literature in individuals affected with TBCE-related conditions. Variants that disrupt the consensus splice site are a relatively common cause of aberrant splicing (PMID: 17576681, 9536098). Algorithms developed to predict the effect of sequence changes on RNA splicing suggest that this variant is not likely to affect RNA splicing. In summary, the available evidence is currently insufficient to determine the role of this variant in disease. Therefore, it has been classified as a Variant of Uncertain Significance.

Literature cited by the submitters: PubMed 17576681; PubMed 9536098.

NM_003193.5(TBCE):c.1116G>A (p.Glu372=)

Gene: TBCE (tubulin folding cofactor E; plus strand). Cytogenetic location: 1q42.3.
Variant type: single nucleotide variant.
Coding change: c.1116G>A on transcript NM_003193.5 (MANE Select); coding-DNA position 1116, G replaced by A.
Protein change: p.Glu372=; no amino-acid change (glutamic acid 372 retained).
Molecular consequence: synonymous variant.
Genome position (GRCh38, 1-based): chr1:235,437,474, G>A. VCF-style: chr1-235437474-G-A. GRCh37 (hg19) VCF-style: chr1-235600789-G-A.
Other names: c.1116G>A, p.Glu372= (NM_001079515.3); c.1269G>A, p.Glu423= (NM_001287801.2); c.777G>A, p.Glu259= (NM_001287802.2).
Identifiers: ClinVar variation 2136347 (VCV002136347.1), dbSNP rs2527043928, ClinGen allele CA423770918.